The following is an entry in ClinVar:

ClinVar aggregate classification (germline): Benign. Review status: criteria provided, multiple submitters, no conflicts (2 of 4 stars). 2 submissions from 2 submitters: Benign (2). Last evaluated 2018-06-14.

Allele frequency attached by ClinVar (database versions not stated): gnomAD 0.05419 and 0.05612; TOPMed 0.05567; gnomAD exomes 0.06727; 1000 Genomes Project 30x 0.06777; 1000 Genomes Project 0.07049.
gnomAD v4.1: 24,568 of 392,278 alleles (6.3%); highest among the groups gnomAD compares: East Asian, 17%; 1,045 homozygotes.

Submissions (2):

GeneDx
Classification: Benign. Last evaluated: 2018-06-14. Review status: criteria provided, single submitter. Criteria: GeneDx Variant Classification (06012015). Collection method: clinical testing. Allele origin: germline. Affected: yes.
Comment: This variant is considered likely benign or benign based on one or more of the following criteria: it is a conservative change, it occurs at a poorly conserved position in the protein, it is predicted to be benign by multiple in silico algorithms, and/or has population frequency not consistent with disease.

Breakthrough Genomics
Classification: Benign. Review status: criteria provided, single submitter. Criteria: ACMG Guidelines, 2015. Collection method: not provided. Allele origin: germline. Inheritance: Autosomal recessive inheritance. Affected: yes.

NM_006005.3(WFS1):c.713-321G>T

Gene: WFS1 (wolframin ER transmembrane glycoprotein; plus strand). Cytogenetic location: 4p16.1.
Variant type: single nucleotide variant.
Coding change: c.713-321G>T on transcript NM_006005.3 (MANE Select); 321 bases into the intron before coding-DNA position 713, G replaced by T.
Molecular consequence: intron variant.
Genome position (GRCh38, 1-based): chr4:6,294,720, G>T. VCF-style: chr4-6294720-G-T. GRCh37 (hg19) VCF-style: chr4-6296447-G-T.
Other names: c.713-321G>T (NM_001145853.1).
Identifiers: ClinVar variation 673197 (VCV000673197.2), dbSNP rs12511742, ClinGen allele CA91795100.
Genomic context (GRCh38, chr4:6,294,720, plus strand): 5'-ACGCTGGCTGAAGAGGAGGGTGTCAGCATGCACTGGAGGTGCATGTTGTAAGGCTTGGCA[G>T]GTGAACTGGGTGAAAGGTGTGGGTGAGTGGCCCCAGGCATAAGGAGCTAGGCAGAGAGGG-3'